The following is an entry in ClinVar:

ClinVar aggregate classification (germline): Uncertain significance (1 of 4 stars; one submission).

Conditions:
Congenital muscular dystrophy due to integrin alpha-7 deficiency. Also called: MYOPATHY, CONGENITAL, DUE TO INTEGRIN ALPHA-7 DEFICIENCY; Congenital muscular dystrophy with integrin alpha-7 deficiency; Muscular dystrophy, congenital, due to ITGA7 deficiency. Identifiers: Orphanet 34520, MedGen C2750786, MONDO:0013177, OMIM 613204.

Allele frequency attached by ClinVar (database versions not stated): gnomAD exomes below 0.00001.
gnomAD v4.1: 1 of 1,614,126 alleles (0.000062%); highest among the groups gnomAD compares: Admixed American, 0.0017%; no homozygotes.

Submission:

Labcorp Genetics (formerly Invitae), Labcorp
Classification: Uncertain significance for Congenital muscular dystrophy due to integrin alpha-7 deficiency. Last evaluated: 2022-05-15. Review status: criteria provided, single submitter. Criteria: Invitae Variant Classification Sherloc (09022015). Collection method: clinical testing. Allele origin: germline.
Comment: This sequence change replaces glycine, which is neutral and non-polar, with serine, which is neutral and polar, at codon 435 of the ITGA7 protein (p.Gly435Ser). This variant is present in population databases (no rsID available, gnomAD 0.003%). This variant has not been reported in the literature in individuals affected with ITGA7-related conditions. Algorithms developed to predict the effect of missense changes on protein structure and function output the following: SIFT: "Tolerated"; PolyPhen-2: "Benign"; Align-GVGD: "Class C0". The serine amino acid residue is found in multiple mammalian species, which suggests that this missense change does not adversely affect protein function. In summary, the available evidence is currently insufficient to determine the role of this variant in disease. Therefore, it has been classified as a Variant of Uncertain Significance.

NM_002206.3(ITGA7):c.1303G>A (p.Gly435Ser)

Gene: ITGA7 (integrin subunit alpha 7; minus strand). Cytogenetic location: 12q13.2.
Variant type: single nucleotide variant.
Coding change: c.1303G>A on transcript NM_002206.3 (MANE Select); coding-DNA position 1303, G replaced by A.
Protein change: p.Gly435Ser; replaces glycine 435 with serine.
Molecular consequence: missense variant. On other transcripts: intron variant (1).
Genome position (GRCh38, 1-based): chr12:55,697,801, C>T on the plus strand (G>A on the coding strand, the complement: ITGA7 is on the minus strand). VCF-style: chr12-55697801-C-T. GRCh37 (hg19) VCF-style: chr12-56091585-C-T.
Other names: c.1315G>A, p.Gly439Ser (NM_001144996.2, NM_001414029.1); c.1024G>A, p.Gly342Ser (NM_001144997.2); c.976G>A, p.Gly326Ser (NM_001367993.1); c.1303G>A, p.Gly435Ser (NM_001374465.1, NM_001414034.1); c.1435G>A, p.Gly479Ser (NM_001410977.1); c.1228G>A, p.Gly410Ser (NM_001414030.1); c.1216G>A, p.Gly406Ser (NM_001414031.1); c.1183G>A, p.Gly395Ser (NM_001414032.1); and 3 more; short protein forms G439S, G435S, G326S, G342S, G479S, G322S, G406S, G374S.
Identifiers: ClinVar variation 1506739 (VCV001506739.8), dbSNP rs1327699722, ClinGen allele CA385189737.